The following is an entry in ClinVar:

ClinVar aggregate classification (germline): Uncertain significance. Review status: criteria provided, multiple submitters, no conflicts (2 of 4 stars). 3 submissions from 3 submitters: Uncertain significance (3). Last evaluated 2024-12-12.

Conditions:
Cardiovascular phenotype. Identifiers: MedGen CN230736.

Allele frequency attached by ClinVar (database versions not stated): ExAC 0.00001; gnomAD 0.00001; TOPMed 0.00001.
gnomAD v4.1: 27 of 1,604,156 alleles (0.0017%); highest among the groups gnomAD compares: Non-Finnish European, 0.002%; no homozygotes.

Submissions (3):

GeneDx
Classification: Uncertain significance. Last evaluated: 2024-12-12. Review status: criteria provided, single submitter. Criteria: GeneDx Variant Classification Process June 2021. Collection method: clinical testing. Allele origin: germline. Affected: yes.
Comment: Not observed at significant frequency in large population cohorts (gnomAD); Nucleotide is not conserved across species and the substitution has no predicted effect on splicing; Has not been previously published as pathogenic or benign to our knowledge; Alters the Kozak sequence, which plays a major role in the initiation of translation

Ambry Genetics
Classification: Uncertain significance for Cardiovascular phenotype. Last evaluated: 2023-10-21. Review status: criteria provided, single submitter. Criteria: Ambry Variant Classification Scheme 2023. Collection method: clinical testing. Allele origin: germline.
Comment: The c.-2C>A variant is located in the 5' untranslated region (5&rsquo; UTR) of the FKRP gene. This variant results from a C to A substitution 2 bases upstream from the first translated codon. This nucleotide position is not well conserved in available vertebrate species. Since supporting evidence is limited at this time, the clinical significance of this alteration remains unclear.

Blueprint Genetics
Classification: Uncertain significance. Last evaluated: 2017-09-19. Review status: criteria provided, single submitter. Criteria: ACMG Guidelines, 2015. Collection method: clinical testing. Allele origin: germline.

NM_024301.5(FKRP):c.-2C>A

Gene: FKRP (fukutin related protein; plus strand). Cytogenetic location: 19q13.32.
Variant type: single nucleotide variant.
Coding change: c.-2C>A on transcript NM_024301.5 (MANE Select); 2 bases upstream of the start codon, C replaced by A.
Molecular consequence: 5 prime UTR variant.
Genome position (GRCh38, 1-based): chr19:46,755,449, C>A. VCF-style: chr19-46755449-C-A. GRCh37 (hg19) VCF-style: chr19-47258706-C-A.
Other names: c.-2C>A (NM_001039885.3).
Identifiers: ClinVar variation 507383 (VCV000507383.5), dbSNP rs781231882, ClinGen allele CA9532087.